The following is an entry in ClinVar:

NM_001199107.2(TBC1D24):c.1583G>A (p.Ser528Asn)

Gene: TBC1D24 (TBC1 domain family member 24; plus strand). Cytogenetic location: 16p13.3.
Variant type: single nucleotide variant.
Coding change: c.1583G>A on transcript NM_001199107.2 (MANE Select); coding-DNA position 1583, G replaced by A.
Protein change: p.Ser528Asn; replaces serine 528 with asparagine.
Molecular consequence: missense variant.
Genome position (GRCh38, 1-based): chr16:2,500,861, G>A. VCF-style: chr16-2500861-G-A. GRCh37 (hg19) VCF-style: chr16-2550862-G-A.
Other names: c.1565G>A, p.Ser522Asn (NM_020705.3); short protein forms S522N, S528N.
Identifiers: ClinVar variation 2075742 (VCV002075742.4), dbSNP rs1027837445, ClinGen allele CA276810051.

ClinVar aggregate classification (germline): Uncertain significance (1 of 4 stars; one submission).

Conditions:
Developmental and epileptic encephalopathy, 1 (DEE1). Also called: X-linked infantile spasms; West's syndrome; Tonic spasms with clustering, arrest of psychomotor development and hypsarrhythmia on EEG; X-Linked Infantile Spasm Syndrome; OHTAHARA SYNDROME, X-LINKED; INFANTILE SPASM SYNDROME, X-LINKED 1. Identifiers: MedGen C3463992, MONDO:0010632, OMIM 308350. Disease mechanism: loss of function.
Autosomal dominant nonsyndromic hearing loss 65. Also called: Deafness, autosomal dominant 65; TBC1D24-Related Autosomal Dominant Nonsyndromic Hearing Loss (DFNA). Identifiers: Orphanet 90635, MedGen C3892048, MONDO:0014470, OMIM 616044.

Allele frequency attached by ClinVar (database versions not stated): gnomAD exomes below 0.00001; TOPMed 0.00002.

Submission:

Labcorp Genetics (formerly Invitae), Labcorp
Classification: Uncertain significance for Developmental and epileptic encephalopathy, 1; Autosomal dominant nonsyndromic hearing loss 65. Last evaluated: 2025-06-15. Review status: criteria provided, single submitter. Criteria: Invitae Variant Classification Sherloc (09022015). Collection method: clinical testing. Allele origin: germline.
Comment: This sequence change replaces serine, which is neutral and polar, with asparagine, which is neutral and polar, at codon 528 of the TBC1D24 protein (p.Ser528Asn). This variant is present in population databases (no rsID available, gnomAD 0.003%). This variant has not been reported in the literature in individuals affected with TBC1D24-related conditions. ClinVar contains an entry for this variant (Variation ID: 2075742). Invitae Evidence Modeling of protein sequence and biophysical properties (such as structural, functional, and spatial information, amino acid conservation, physicochemical variation, residue mobility, and thermodynamic stability) indicates that this missense variant is not expected to disrupt TBC1D24 protein function with a negative predictive value of 80%. In summary, the available evidence is currently insufficient to determine the role of this variant in disease. Therefore, it has been classified as a Variant of Uncertain Significance.